The following is an entry in ClinVar:

ClinVar aggregate classification (germline): Likely benign (1 of 4 stars; one submission).

Submission:

CeGaT Center for Human Genetics Tuebingen
Classification: Likely benign. Last evaluated: 2025-06-01. Review status: criteria provided, single submitter. Criteria: CeGaT Center For Human Genetics Tuebingen Variant Classification Criteria Version 2. Collection method: clinical testing. Allele origin: germline. Affected: yes. Observed: 2 variant alleles.
Comment: LSM11: BP4, BP7

NM_173491.4(LSM11):c.282C>T (p.Gly94=)

Genes: LSM11 (LSM11, U7 small nuclear RNA associated; plus strand), LOC129995145 (ATAC-STARR-seq lymphoblastoid silent region 16563; plus strand). Cytogenetic location: 5q33.3.
Variant type: single nucleotide variant.
Coding change: c.282C>T on transcript NM_173491.4 (MANE Select); coding-DNA position 282, C replaced by T.
Protein change: p.Gly94=; no amino-acid change (glycine 94 retained).
Molecular consequence: synonymous variant.
Genome position (GRCh38, 1-based): chr5:157,744,032, C>T. VCF-style: chr5-157744032-C-T. GRCh37 (hg19) VCF-style: chr5-157171040-C-T.
Identifiers: ClinVar variation 3341833 (VCV003341833.16).
Genomic context (GRCh38, chr5:157,744,032, plus strand): 5'-CGGGCGGGCTCGGGGCGCGGCCGCGGGCTCTGGGGTTCCCGCCGCACCCGGGCCCTCGGG[C>T]AGGACTCGTCGCCGCCCGGACGCGCCCGCCCCGGACCCCGAGCGCATCCAGCGCCTCCGC-3'
Protein context (NP_775762.1, residues 84-104): SGVPAAPGPS[Gly94=]RTRRRPDAPA